The following is an entry in ClinVar:

ClinVar aggregate classification (germline): Uncertain significance. Review status: criteria provided, multiple submitters, no conflicts (2 of 4 stars). 3 submissions from 3 submitters: Uncertain significance (3). Last evaluated 2024-09-02.

Conditions:
Inborn genetic diseases. Identifiers: MedGen C0950123, MeSH D030342.

Allele frequency attached by ClinVar (database versions not stated): gnomAD exomes below 0.00001; TOPMed 0.00003; gnomAD 0.00005 and 0.00006.
gnomAD v4.1: 16 of 1,614,028 alleles (0.00099%); highest among the groups gnomAD compares: African/African-American, 0.017%; no homozygotes.

Submissions (3):

Ambry Genetics
Classification: Uncertain significance for Inborn genetic diseases. Last evaluated: 2024-09-02. Review status: criteria provided, single submitter. Criteria: Ambry Variant Classification Scheme 2023. Collection method: clinical testing. Allele origin: germline.

Labcorp Genetics (formerly Invitae), Labcorp
Classification: Uncertain significance. Last evaluated: 2021-09-01. Review status: criteria provided, single submitter. Criteria: Invitae Variant Classification Sherloc (09022015). Collection method: clinical testing. Allele origin: germline.
Comment: This sequence change replaces histidine with glutamine at codon 1321 of the MCM3AP protein (p.His1321Gln). The histidine residue is highly conserved and there is a small physicochemical difference between histidine and glutamine. This variant is not present in population databases (ExAC no frequency). This variant has not been reported in the literature in individuals affected with MCM3AP-related conditions. Algorithms developed to predict the effect of missense changes on protein structure and function are either unavailable or do not agree on the potential impact of this missense change (SIFT: "Deleterious"; PolyPhen-2: "Possibly Damaging"; Align-GVGD: "Class C15"). In summary, the available evidence is currently insufficient to determine the role of this variant in disease. Therefore, it has been classified as a Variant of Uncertain Significance.

Breakthrough Genomics
Classification: Uncertain significance. Review status: criteria provided, single submitter. Criteria: ACMG Guidelines, 2015. Collection method: not provided. Allele origin: germline. Inheritance: Autosomal dominant inheritance. Affected: yes.

NM_003906.5(MCM3AP):c.3963C>G (p.His1321Gln)

Gene: MCM3AP (minichromosome maintenance complex component 3 associated protein; minus strand). Cytogenetic location: 21q22.3.
Variant type: single nucleotide variant.
Coding change: c.3963C>G on transcript NM_003906.5 (MANE Select); coding-DNA position 3963, C replaced by G.
Protein change: p.His1321Gln; replaces histidine 1321 with glutamine.
Molecular consequence: missense variant.
Genome position (GRCh38, 1-based): chr21:46,254,814, G>C on the plus strand (C>G on the coding strand, the complement: MCM3AP is on the minus strand). VCF-style: chr21-46254814-G-C. GRCh37 (hg19) VCF-style: chr21-47674728-G-C.
Other names: c.3963C>G (NM_003906.3); short protein forms H1321Q.
Identifiers: ClinVar variation 1487543 (VCV001487543.7), dbSNP rs939017384, ClinGen allele CA321981058.
Genomic context (GRCh38, chr21:46,254,814, plus strand): 5'-AGAAGGGTGCAGCATGACAGACCTCAGCAGCTGCTGGTAGAAGTGCTGAACCTTCATCTG[G>C]TGAGCTGTCTTGTTTCTGAGCCGCCTTAACCTGCAAAGGAAAGCAGAATGACAGTGTCCC-3'
Protein context (NP_003897.2, residues 1311-1331): RLRRLRNKTA[His1321Gln]QMKVQHFYQQ